The following is an entry in ClinVar:

ClinVar aggregate classification (germline): Conflicting classifications of pathogenicity. Review status: criteria provided, conflicting classifications (1 of 4 stars). 6 submissions from 5 submitters: Uncertain significance (3); Likely benign (2). 1 of the submissions does not count toward it. Last evaluated 2026-01-24.

Conditions:
Mitochondrial trifunctional protein deficiency 1 (MTPD1). Identifiers: MedGen CN376812, MONDO:0958181, OMIM 609015.
Long chain 3-hydroxyacyl-CoA dehydrogenase deficiency. Also called: Deficiency of long-chain 3-hydroxyacyl-coenzyme A dehydrogenase; LCHAD Deficiency. Identifiers: Orphanet 5, MedGen C3711645, MONDO:0012173, OMIM 609016.
Mitochondrial trifunctional protein deficiency. Identifiers: Orphanet 746, MedGen C1969443, MONDO:0012172.
HADHA-related disorder. Also called: HADHA-related condition; HADHA-related disorders.

Allele frequency attached by ClinVar (database versions not stated): gnomAD exomes 0.00004 and 0.00017; gnomAD 0.00005; TOPMed 0.00008; ExAC 0.00015.
gnomAD v4.1: 68 of 1,611,428 alleles (0.0042%); highest among the groups gnomAD compares: East Asian, 0.14%; no homozygotes.

Submissions (6):

Labcorp Genetics (formerly Invitae), Labcorp
Classification: Likely benign for Mitochondrial trifunctional protein deficiency; Long chain 3-hydroxyacyl-CoA dehydrogenase deficiency. Last evaluated: 2026-01-24. Review status: criteria provided, single submitter. Criteria: Invitae Variant Classification Sherloc (09022015). Collection method: clinical testing. Allele origin: germline.

PreventionGenetics, part of Exact Sciences
Classification: Likely benign for HADHA-related condition. Last evaluated: 2025-06-13. Review status: criteria provided, single submitter. Criteria: ACMG Guidelines, 2015. Collection method: clinical testing. Allele origin: germline.
Comment: This variant is classified as likely benign based on ACMG/AMP sequence variant interpretation guidelines (Richards et al. 2015 PMID: 25741868, with internal and published modifications).

Department of Pathology and Laboratory Medicine, Sinai Health System
Classification: Uncertain significance for Mitochondrial trifunctional protein deficiency 1; Long chain 3-hydroxyacyl-CoA dehydrogenase deficiency. Last evaluated: 2022-06-23. Review status: criteria provided, single submitter. Criteria: ACMG Guidelines, 2015. Collection method: research. Allele origin: germline.

Illumina Laboratory Services, Illumina
Classification: Uncertain significance for Long chain 3-hydroxyacyl-CoA dehydrogenase deficiency. Last evaluated: 2018-01-12. Review status: criteria provided, single submitter. Criteria: ICSL Variant Classification Criteria 13 December 2019. Collection method: clinical testing. Allele origin: germline.

Illumina Laboratory Services, Illumina
Classification: Uncertain significance for Mitochondrial trifunctional protein deficiency 1. Last evaluated: 2018-01-12. Review status: criteria provided, single submitter. Criteria: ICSL Variant Classification Criteria 13 December 2019. Collection method: clinical testing. Allele origin: germline.

Natera, Inc.
Classification: Uncertain significance for Deficiency of long-chain 3-hydroxyacyl-coenzyme A dehydrogenase. Last evaluated: 2020-01-17. Review status: no assertion criteria provided. Collection method: clinical testing. Allele origin: germline. Not counted in ClinVar's aggregate classification.

NM_000182.5(HADHA):c.1947T>A (p.Asn649Lys)

Genes: GAREM2 (GRB2 associated regulator of MAPK1 subtype 2; plus strand), HADHA (hydroxyacyl-CoA dehydrogenase trifunctional multienzyme complex subunit alpha; minus strand). Cytogenetic location: 2p23.3.
Variant type: single nucleotide variant.
Coding change: c.1947T>A on transcript NM_000182.5 (MANE Select); coding-DNA position 1947, T replaced by A.
Protein change: p.Asn649Lys; replaces asparagine 649 with lysine.
Molecular consequence: missense variant.
Genome position (GRCh38, 1-based): chr2:26,192,363, A>T on the plus strand (T>A on the coding strand, the complement: HADHA is on the minus strand). VCF-style: chr2-26192363-A-T. GRCh37 (hg19) VCF-style: chr2-26415232-A-T.
Other names: short protein forms N649K.
Identifiers: ClinVar variation 728421 (VCV000728421.18), dbSNP rs777153382, ClinGen allele CA1559410.